The following is an entry in ClinVar:

NM_018119.4(POLR3E):c.1612C>T (p.Arg538Trp)

Gene: POLR3E (RNA polymerase III subunit E). Cytogenetic location: 16p12.2.
Variant type: single nucleotide variant.
Coding change: c.1612C>T on transcript NM_018119.4 (MANE Select); coding-DNA position 1612, C replaced by T.
Protein change: p.Arg538Trp; replaces arginine 538 with tryptophan.
Molecular consequence: missense variant. On other transcripts: non-coding transcript variant (1).
Genome position (GRCh38, 1-based): chr16:22,326,024, C>T. VCF-style: chr16-22326024-C-T. GRCh37 (hg19) VCF-style: chr16-22337345-C-T.
Other names: c.1612C>T, p.Arg538Trp (NM_001258033.2, NM_001258036.2); c.1504C>T, p.Arg502Trp (NM_001258034.2, NM_001258035.2); short protein forms R502W, R538W.
Identifiers: ClinVar variation 1701284 (VCV001701284.31), dbSNP rs533624898, ClinGen allele CA7957145.
Genomic context (GRCh38, chr16:22,326,024, plus strand): 5'-CCCATGGACACTTCCCCCAGCGGCCTCCACAGCAAGCTGGCCAACGGGCTGCCTCTCGGG[C>T]GGGCTGCGGGCACAGACAGCTTCAACGGGCACCCGCCCCAGGGCTGCGCCAGCACCCCTG-3'
Protein context (NP_060589.1, residues 528-548): SKLANGLPLG[Arg538Trp]AAGTDSFNGH

ClinVar aggregate classification (germline): Likely benign (1 of 4 stars; one submission).

Allele frequency attached by ClinVar (database versions not stated): gnomAD 0.00006 and 0.00031; TOPMed 0.00007; gnomAD exomes 0.00051 and 0.00098; 1000 Genomes Project 30x 0.00109; 1000 Genomes Project 0.00120; ExAC 0.00154.

Submission:

CeGaT Center for Human Genetics Tuebingen
Classification: Likely benign. Last evaluated: 2022-07-01. Review status: criteria provided, single submitter. Criteria: CeGaT Center For Human Genetics Tuebingen Variant Classification Criteria Version 2. Collection method: clinical testing. Allele origin: germline. Affected: yes. Observed: 1 variant allele.
Comment: POLR3E: BP4, BS1